The following is an entry in ClinVar:

ClinVar aggregate classification (germline): Likely pathogenic. Review status: criteria provided, multiple submitters, no conflicts (2 of 4 stars). 2 submissions from 2 submitters: Likely pathogenic (2). Last evaluated 2023-09-21.

Conditions:
CHD7-related disorder. Also called: CHD7-related condition.
Inborn genetic diseases. Identifiers: MedGen C0950123, MeSH D030342.

Submissions (2):

PreventionGenetics, part of Exact Sciences
Classification: Likely pathogenic for CHD7-related condition. Last evaluated: 2023-09-21. Review status: criteria provided, single submitter. Criteria: ACMG Guidelines, 2015. Collection method: clinical testing. Allele origin: germline.
Comment: The CHD7 c.2958-3A>G variant is predicted to interfere with splicing. Available splicing prediction programs suggest that this variant would create a novel splice acceptor site two nucleotides upstream of the canonical splice site at the nearby intron-exon junction, while reducing the strength of the canonical site (Alamut Visual Plus v1.6.1). Other de novo variants impacting the same canonical splice site (c.2958-2A>T, c.2958-1G>A) have been reported in patients with CHARGE syndrome (patient 12 in Jongmans et al. 2006. PubMed ID: 16155193; individual 679-1 in Vuorela et al. 2007. PubMed ID: 18073582). To our knowledge, this variant has not been reported in the literature or in a large population database, indicating this variant is rare. This variant is interpreted as likely pathogenic.

Ambry Genetics
Classification: Likely pathogenic for Inborn genetic diseases. Last evaluated: 2022-08-02. Review status: criteria provided, single submitter. Criteria: Ambry Variant Classification Scheme 2023. Collection method: clinical testing. Allele origin: germline.
Comment: The c.2958-3A>G intronic variant results from an A to G substitution 3 nucleotides upstream from coding exon 11 in the CHD7 gene. This nucleotide position is not well conserved in available vertebrate species. In silico splice site analysis predicts that this alteration will weaken the native splice acceptor site and will result in the creation or strengthening of a novel splice acceptor site. This variant is considered to be rare based on population cohorts in the Genome Aggregation Database (gnomAD). Based on the majority of available evidence to date, this variant is likely to be pathogenic.

NM_017780.4(CHD7):c.2958-3A>G

Gene: CHD7 (chromodomain helicase DNA binding protein 7; plus strand). Cytogenetic location: 8q12.2.
Variant type: single nucleotide variant.
Coding change: c.2958-3A>G on transcript NM_017780.4 (MANE Select); 3 bases into the intron before coding-DNA position 2958, A replaced by G.
Molecular consequence: intron variant.
Genome position (GRCh38, 1-based): chr8:60,822,500, A>G. VCF-style: chr8-60822500-A-G. GRCh37 (hg19) VCF-style: chr8-61735059-A-G.
Other names: c.1717-39729A>G (NM_001316690.1).
Identifiers: ClinVar variation 1798121 (VCV001798121.3), dbSNP rs2487811001, ClinGen allele CA2580078459.